The following is an entry in ClinVar:

ClinVar aggregate classification (germline): Uncertain significance (1 of 4 stars; one submission).

Conditions:
Charcot-Marie-Tooth disease axonal type 2S. Also called: CHARCOT-MARIE-TOOTH NEUROPATHY, TYPE 2S; CHARCOT-MARIE-TOOTH DISEASE, AXONAL, AUTOSOMAL RECESSIVE, TYPE 2S. Identifiers: Orphanet 443073, MedGen C4015349, MONDO:0014511, OMIM 616155.
Autosomal recessive distal spinal muscular atrophy 1. Also called: SEVERE INFANTILE AXONAL NEUROPATHY WITH RESPIRATORY FAILURE; SPINAL MUSCULAR ATROPHY, DIAPHRAGMATIC; Spinal muscular atrophy with respiratory distress 1; HMN VI; NEURONOPATHY, DISTAL HEREDITARY MOTOR, HARDING TYPE VI; NEUROPATHY, DISTAL HEREDITARY MOTOR, AUTOSOMAL RECESSIVE 1. Identifiers: Orphanet 98920, MedGen C1858517, MONDO:0011436, OMIM 604320.

Submission:

Labcorp Genetics (formerly Invitae), Labcorp
Classification: Uncertain significance for Autosomal recessive distal spinal muscular atrophy 1; Charcot-Marie-Tooth disease axonal type 2S. Last evaluated: 2022-09-01. Review status: criteria provided, single submitter. Criteria: Invitae Variant Classification Sherloc (09022015). Collection method: clinical testing. Allele origin: germline.
Comment: This sequence change replaces asparagine, which is neutral and polar, with tyrosine, which is neutral and polar, at codon 511 of the IGHMBP2 protein (p.Asn511Tyr). This variant is not present in population databases (gnomAD no frequency). This missense change has been observed in individual(s) with IGHMBP2-related conditions (Invitae). ClinVar contains an entry for this variant (Variation ID: 846020). Advanced modeling of protein sequence and biophysical properties (such as structural, functional, and spatial information, amino acid conservation, physicochemical variation, residue mobility, and thermodynamic stability) performed at Invitae indicates that this missense variant is expected to disrupt IGHMBP2 protein function. Algorithms developed to predict the effect of sequence changes on RNA splicing suggest that this variant may create or strengthen a splice site. In summary, the available evidence is currently insufficient to determine the role of this variant in disease. Therefore, it has been classified as a Variant of Uncertain Significance.

NM_002180.3(IGHMBP2):c.1531A>T (p.Asn511Tyr)

Gene: IGHMBP2 (immunoglobulin mu DNA binding protein 2; plus strand). Cytogenetic location: 11q13.3.
Variant type: single nucleotide variant.
Coding change: c.1531A>T on transcript NM_002180.3 (MANE Select); coding-DNA position 1531, A replaced by T.
Protein change: p.Asn511Tyr; replaces asparagine 511 with tyrosine.
Molecular consequence: missense variant.
Genome position (GRCh38, 1-based): chr11:68,933,907, A>T. VCF-style: chr11-68933907-A-T. GRCh37 (hg19) VCF-style: chr11-68701375-A-T.
Other names: short protein forms N511Y.
Identifiers: ClinVar variation 846020 (VCV000846020.10), dbSNP rs1859418981, ClinGen allele CA381650364.